The following is an entry in ClinVar:

ClinVar aggregate classification (germline): Uncertain significance (1 of 4 stars; one submission).

gnomAD v4.1: 4 of 1,612,714 alleles (0.00025%); highest among the groups gnomAD compares: Admixed American, 0.0017%; no homozygotes.

Submission:

Labcorp Genetics (formerly Invitae), Labcorp
Classification: Uncertain significance. Last evaluated: 2025-08-29. Review status: criteria provided, single submitter. Criteria: Invitae Variant Classification Sherloc (09022015). Collection method: clinical testing. Allele origin: germline.
Comment: This sequence change replaces asparagine, which is neutral and polar, with serine, which is neutral and polar, at codon 317 of the ACAN protein (p.Asn317Ser). This variant is present in population databases (rs760137135, gnomAD 0.003%). This variant has not been reported in the literature in individuals affected with ACAN-related conditions. Invitae Evidence Modeling of protein sequence and biophysical properties (such as structural, functional, and spatial information, amino acid conservation, physicochemical variation, residue mobility, and thermodynamic stability) indicates that this missense variant is not expected to disrupt ACAN protein function with a negative predictive value of 80%. In summary, the available evidence is currently insufficient to determine the role of this variant in disease. Therefore, it has been classified as a Variant of Uncertain Significance.

NM_001369268.1(ACAN):c.950A>G (p.Asn317Ser)

Gene: ACAN (aggrecan; plus strand). Cytogenetic location: 15q26.1.
Variant type: single nucleotide variant.
Coding change: c.950A>G on transcript NM_001369268.1 (MANE Select); coding-DNA position 950, A replaced by G.
Protein change: p.Asn317Ser; replaces asparagine 317 with serine.
Molecular consequence: missense variant.
Genome position (GRCh38, 1-based): chr15:88,843,547, A>G. VCF-style: chr15-88843547-A-G. GRCh37 (hg19) VCF-style: chr15-89386778-A-G.
Other names: c.950A>G, p.Asn317Ser (NM_001135.4, NM_001411096.1, NM_001411097.1 and 1 more transcripts); short protein forms N317S.
Identifiers: ClinVar variation 4764710 (VCV004764710.1).
Genomic context (GRCh38, chr15:88,843,547, plus strand): 5'-GCAGCGCCGGCTGGCTGGCCGACCGCAGCGTGCGCTACCCCATCTCCAAGGCCCGGCCCA[A>G]CTGCGGTGGCAACCTCCTGGGCGTGAGGACCGTCTACGTGCATGCCAACCAGACGGGCTA-3'
Protein context (NP_001356197.1, residues 307-327): VRYPISKARP[Asn317Ser]CGGNLLGVRT